The following is an entry in ClinVar:

ClinVar aggregate classification (germline): Conflicting classifications of pathogenicity. Review status: criteria provided, conflicting classifications (1 of 4 stars). 5 submissions from 5 submitters: Uncertain significance (2); Likely benign (3). Last evaluated 2026-02-03.

Conditions:
Cardiovascular phenotype. Identifiers: MedGen CN230736.
TTN-related disorder. Also called: TTN-related disorders; TTN-related condition; TTN-related disease.

Allele frequency attached by ClinVar (database versions not stated): gnomAD 0.00003 and 0.00006; gnomAD exomes 0.00004 and 0.00008; ExAC 0.00010.
gnomAD v4.1: 66 of 1,614,018 alleles (0.0041%); highest among the groups gnomAD compares: South Asian, 0.04%; no homozygotes.

Submissions (5):

PreventionGenetics, part of Exact Sciences
Classification: Uncertain significance for TTN-related condition. Last evaluated: 2026-02-03. Review status: criteria provided, single submitter. Criteria: ACMG Guidelines, 2015. Collection method: clinical testing. Allele origin: germline.
Comment: The TTN c.6971C>T variant is predicted to result in the amino acid substitution p.Thr2324Met. This variant was reported in an individual with dilated cardiomyopathy (Supplemental Table 3, Mazzarotto et al. 2020. PubMed ID: 31983221). This variant is reported in 0.033% of alleles in individuals of South Asian descent in gnomAD and has conflicting interpretations regarding its pathogenicity in ClinVar, ranging from likely benign to uncertain. At this time, the clinical significance of this variant is uncertain due to the absence of conclusive functional and genetic evidence.

Blueprint Genetics
Classification: Likely benign. Last evaluated: 2024-11-21. Review status: criteria provided, single submitter. Criteria: ACMG Guidelines, 2015. Collection method: clinical testing. Allele origin: germline.

Revvity Omics, Revvity
Classification: Uncertain significance. Last evaluated: 2024-09-12. Review status: criteria provided, single submitter. Criteria: ACMG Guidelines, 2015. Collection method: clinical testing. Allele origin: germline.

Ambry Genetics
Classification: Likely benign for Cardiovascular phenotype. Last evaluated: 2020-02-27. Review status: criteria provided, single submitter. Criteria: Ambry Variant Classification Scheme 2023. Collection method: clinical testing. Allele origin: germline.

GeneDx
Classification: Likely benign. Last evaluated: 2018-10-15. Review status: criteria provided, single submitter. Criteria: GeneDx Variant Classification Process June 2021. Collection method: clinical testing. Allele origin: germline. Affected: yes.
Comment: This variant is associated with the following publications: (PMID: 31983221)

NM_001267550.2(TTN):c.6971C>T (p.Thr2324Met)

Genes: TTN (titin; minus strand), LOC126806433 (BRD4-independent group 4 enhancer GRCh37_chr2:179638309-179639508; plus strand). Cytogenetic location: 2q31.2.
Variant type: single nucleotide variant.
Coding change: c.6971C>T on transcript NM_001267550.2 (MANE Select); coding-DNA position 6971, C replaced by T.
Protein change: p.Thr2324Met; replaces threonine 2324 with methionine.
Molecular consequence: missense variant.
Genome position (GRCh38, 1-based): chr2:178,774,293, G>A on the plus strand (C>T on the coding strand, the complement: TTN is on the minus strand). VCF-style: chr2-178774293-G-A. GRCh37 (hg19) VCF-style: chr2-179639020-G-A.
Other names: c.6971C>T, p.Thr2324Met (NM_001256850.1, NM_133378.4, NM_133379.5); c.6833C>T, p.Thr2278Met (NM_003319.4, NM_133432.3, NM_133437.4); short protein forms T2278M, T2324M.
Identifiers: ClinVar variation 1194320 (VCV001194320.9), dbSNP rs760633130, ClinGen allele CA2004930.